The following is an entry in ClinVar:

NM_001009944.3(PKD1):c.4598T>A (p.Val1533Glu)

Gene: PKD1 (polycystin 1, transient receptor potential channel interacting; minus strand). Cytogenetic location: 16p13.3.
Variant type: single nucleotide variant.
Coding change: c.4598T>A on transcript NM_001009944.3 (MANE Select); coding-DNA position 4598, T replaced by A.
Protein change: p.Val1533Glu; replaces valine 1533 with glutamic acid.
Molecular consequence: missense variant.
Genome position (GRCh38, 1-based): chr16:2,110,569, A>T on the plus strand (T>A on the coding strand, the complement: PKD1 is on the minus strand). VCF-style: chr16-2110569-A-T. GRCh37 (hg19) VCF-style: chr16-2160570-A-T.
Other names: p.Val1533Glu; c.4598T>A, p.Val1533Glu (NM_000296.4); short protein forms V1533E.
Identifiers: ClinVar variation 3380356 (VCV003380356.1).
Genomic context (GRCh38, chr16:2,110,569, plus strand): 5'-ACGACGAGCCCCCGCACGCGCCGCTTCACCGTCACATTGAGCCAGGCCTCGCTGCGGCTC[A>T]CCTCATTCCAGCCGGCCACCCTAACGGTGAAGTCACCTGTGCTGTTGTAAGCGTGGGTGA-3'
Protein context (NP_001009944.3, residues 1523-1543): FTVRVAGWNE[Val1533Glu]SRSEAWLNVT

ClinVar aggregate classification (germline): Uncertain significance (1 of 4 stars; one submission).

Submission:

Mayo Clinic Laboratories, Mayo Clinic
Classification: Uncertain significance. Last evaluated: 2023-09-19. Review status: criteria provided, single submitter. Criteria: ACMG Guidelines, 2015. Collection method: clinical testing. Allele origin: germline. Observed: 2 variant alleles.
Comment: PM2